The following is an entry in ClinVar:

ClinVar aggregate classification (germline): Uncertain significance (1 of 4 stars; one submission).

Conditions:
Paget disease of bone 2, early-onset (PDB2). Also called: Paget disease of bone 2. Identifiers: MedGen C4085251, MONDO:0011183, OMIM 602080.
Frontotemporal dementia and/or amyotrophic lateral sclerosis 1 (FTDALS1). Also called: C9orf72 Frontotemporal Dementia and/or Amyotrophic Lateral Sclerosis; Frontotemporal dementia with motor neuron disease 1. Identifiers: Orphanet 275872, MedGen C5779877, MONDO:0007105, OMIM 105550.

Submission:

Labcorp Genetics (formerly Invitae), Labcorp
Classification: Uncertain significance for Paget disease of bone 2, early-onset; Frontotemporal dementia and/or amyotrophic lateral sclerosis 1. Last evaluated: 2022-06-04. Review status: criteria provided, single submitter. Criteria: Invitae Variant Classification Sherloc (09022015). Collection method: clinical testing. Allele origin: germline.
Comment: This sequence change replaces cysteine, which is neutral and slightly polar, with phenylalanine, which is neutral and non-polar, at codon 154 of the SQSTM1 protein (p.Cys154Phe). This variant is not present in population databases (gnomAD no frequency). This variant has not been reported in the literature in individuals affected with SQSTM1-related conditions. Algorithms developed to predict the effect of missense changes on protein structure and function (SIFT, PolyPhen-2, Align-GVGD) all suggest that this variant is likely to be disruptive. In summary, the available evidence is currently insufficient to determine the role of this variant in disease. Therefore, it has been classified as a Variant of Uncertain Significance.

NM_003900.5(SQSTM1):c.461G>T (p.Cys154Phe)

Gene: SQSTM1 (sequestosome 1; plus strand). Cytogenetic location: 5q35.3.
Variant type: single nucleotide variant.
Coding change: c.461G>T on transcript NM_003900.5 (MANE Select); coding-DNA position 461, G replaced by T.
Protein change: p.Cys154Phe; replaces cysteine 154 with phenylalanine.
Molecular consequence: missense variant.
Genome position (GRCh38, 1-based): chr5:179,824,017, G>T. VCF-style: chr5-179824017-G-T. GRCh37 (hg19) VCF-style: chr5-179251017-G-T.
Other names: c.209G>T, p.Cys70Phe (NM_001142298.2, NM_001142299.2); short protein forms C70F, C154F.
Identifiers: ClinVar variation 2054507 (VCV002054507.4), dbSNP rs2480214103, ClinGen allele CA362444016.